The following is an entry in ClinVar:

NM_002863.5(PYGL):c.559G>A (p.Gly187Arg)

Gene: PYGL (glycogen phosphorylase L; minus strand). Cytogenetic location: 14q22.1.
Variant type: single nucleotide variant.
Coding change: c.559G>A on transcript NM_002863.5 (MANE Select); coding-DNA position 559, G replaced by A.
Protein change: p.Gly187Arg; replaces glycine 187 with arginine.
Molecular consequence: missense variant.
Genome position (GRCh38, 1-based): chr14:50,924,070, C>T on the plus strand (G>A on the coding strand, the complement: PYGL is on the minus strand). VCF-style: chr14-50924070-C-T. GRCh37 (hg19) VCF-style: chr14-51390788-C-T.
Other names: c.457G>A, p.Gly153Arg (NM_001163940.2); short protein forms G187R, G153R.
Identifiers: ClinVar variation 639783 (VCV000639783.8), dbSNP rs770642815, ClinGen allele CA7183760.

ClinVar aggregate classification (germline): Uncertain significance (1 of 4 stars; one submission).

Conditions:
Glycogen storage disease, type VI (GSD6). Also called: Glycogen storage disease type 6; Hepatic glycogen phosphorylase deficiency; Glycogen storage disease type 6, due to phosphorylation; GSD VI; HERS DISEASE; PHOSPHORYLASE DEFICIENCY GLYCOGEN-STORAGE DISEASE OF LIVER. Identifiers: Orphanet 369, MedGen C0017925, MONDO:0009294, OMIM 232700.

Allele frequency attached by ClinVar (database versions not stated): gnomAD exomes below 0.00001; ExAC 0.00001.
gnomAD v4.1: 1 of 1,613,852 alleles (0.000062%); highest among the groups gnomAD compares: East Asian, 0.0022%; no homozygotes.

Submission:

Labcorp Genetics (formerly Invitae), Labcorp
Classification: Uncertain significance for Glycogen storage disease, type VI. Last evaluated: 2018-12-24. Review status: criteria provided, single submitter. Criteria: Invitae Variant Classification Sherloc (09022015). Collection method: clinical testing. Allele origin: germline.
Comment: This sequence change replaces glycine with arginine at codon 187 of the PYGL protein (p.Gly187Arg). The glycine residue is highly conserved and there is a moderate physicochemical difference between glycine and arginine. This variant is present in population databases (rs770642815, ExAC 0.01%). In at least one individual the data is consistent with the variant being in trans (on the opposite chromosome) from a pathogenic variant. Algorithms developed to predict the effect of missense changes on protein structure and function (SIFT, PolyPhen-2, Align-GVGD) all suggest that this variant is likely to be disruptive, but these predictions have not been confirmed by published functional studies and their clinical significance is uncertain. In summary, the available evidence is currently insufficient to determine the role of this variant in disease. Therefore, it has been classified as a Variant of Uncertain Significance.